The following is an entry in ClinVar:

NM_000081.4(LYST):c.3911A>G (p.Glu1304Gly)

Gene: LYST (lysosomal trafficking regulator; minus strand). Cytogenetic location: 1q42.3.
Variant type: single nucleotide variant.
Coding change: c.3911A>G on transcript NM_000081.4 (MANE Select); coding-DNA position 3911, A replaced by G.
Protein change: p.Glu1304Gly; replaces glutamic acid 1304 with glycine.
Molecular consequence: missense variant.
Genome position (GRCh38, 1-based): chr1:235,800,899, T>C on the plus strand (A>G on the coding strand, the complement: LYST is on the minus strand). VCF-style: chr1-235800899-T-C. GRCh37 (hg19) VCF-style: chr1-235964199-T-C.
Other names: c.3911A>G, p.Glu1304Gly (NM_001301365.1); short protein forms E1304G.
Identifiers: ClinVar variation 1415457 (VCV001415457.5), dbSNP rs2527014927, ClinGen allele CA344942947.
Genomic context (GRCh38, chr1:235,800,899, plus strand): 5'-ATTGATCACATTTAACTAAATGAATTTTTTACCTGTTGCATGAGCAGAAAAACATTCTTT[T>C]CTTTCTGCCTAATAATTTTCAAAAAACTCTCAAATACATGGGCAAGCACATCAAGTTTGG-3'
Protein context (NP_000072.2, residues 1294-1314): ESFLKIIRQK[Glu1304Gly]KNVFLLMQQG

ClinVar aggregate classification (germline): Uncertain significance (1 of 4 stars; one submission).

Conditions:
Chédiak-Higashi syndrome (CHS). Also called: Chediak-Higashi Syndrome. Identifiers: Orphanet 167, MedGen C0007965, MONDO:0008963, OMIM 214500.

Allele frequency attached by ClinVar (database versions not stated): gnomAD exomes below 0.00001.
gnomAD v4.1: 2 of 1,613,476 alleles (0.00012%); highest among the groups gnomAD compares: Non-Finnish European, 0.00017%; no homozygotes.

Submission:

Labcorp Genetics (formerly Invitae), Labcorp
Classification: Uncertain significance for Chédiak-Higashi syndrome. Last evaluated: 2021-08-26. Review status: criteria provided, single submitter. Criteria: Invitae Variant Classification Sherloc (09022015). Collection method: clinical testing. Allele origin: germline.
Comment: This sequence change replaces glutamic acid with glycine at codon 1304 of the LYST protein (p.Glu1304Gly). The glutamic acid residue is moderately conserved and there is a moderate physicochemical difference between glutamic acid and glycine. This variant is not present in population databases (ExAC no frequency). This variant has not been reported in the literature in individuals affected with LYST-related conditions. Algorithms developed to predict the effect of missense changes on protein structure and function are either unavailable or do not agree on the potential impact of this missense change (SIFT: "Tolerated"; PolyPhen-2: "Probably Damaging"; Align-GVGD: "Class C0"). In summary, the available evidence is currently insufficient to determine the role of this variant in disease. Therefore, it has been classified as a Variant of Uncertain Significance.